The following is an entry in ClinVar:

ClinVar aggregate classification (germline): Pathogenic (1 of 4 stars; one submission).

Conditions:
Duchenne muscular dystrophy (DMD). Also called: Duchenne Muscular Dystrophy (DMD); MUSCULAR DYSTROPHY, PSEUDOHYPERTROPHIC PROGRESSIVE, DUCHENNE TYPE. Identifiers: Orphanet 98896, MedGen C0013264, MONDO:0010679, OMIM 310200.

Submission:

Labcorp Genetics (formerly Invitae), Labcorp
Classification: Pathogenic for Duchenne muscular dystrophy. Last evaluated: 2022-08-23. Review status: criteria provided, single submitter. Criteria: Invitae Variant Classification Sherloc (09022015). Collection method: clinical testing. Allele origin: germline.
Comment: A similar copy number variant has been observed in individual(s) with clinical features of Duchenne muscular dystrophy (PMID: 33644936). For these reasons, this variant has been classified as Pathogenic. This variant is a gross deletion of the genomic region encompassing exon(s) 12-18 of the DMD gene. This deletion is out-of-frame, and is expected to create a premature termination codon and result in an absent or disrupted protein product. Loss-of-function variants in DMD are known to be pathogenic (PMID: 16770791, 25007885).

Literature cited by the submitters: PubMed 33644936; PubMed 16770791; PubMed 25007885.

NC_000023.10:g.(?_32536105)_(32632590_?)del

Gene: DMD (dystrophin; minus strand). Cytogenetic location: Xp21.1.
Variant type: Deletion.
Identifiers: ClinVar variation 2424887 (VCV002424887.5).